The following is an entry in ClinVar:

NM_000062.3(SERPING1):c.1195C>T (p.Pro399Ser)

Gene: SERPING1 (serpin family G member 1; plus strand). Cytogenetic location: 11q12.1.
Variant type: single nucleotide variant.
Coding change: c.1195C>T on transcript NM_000062.3 (MANE Select); coding-DNA position 1195, C replaced by T.
Protein change: p.Pro399Ser; replaces proline 399 with serine.
Molecular consequence: missense variant.
Genome position (GRCh38, 1-based): chr11:57,611,882, C>T. VCF-style: chr11-57611882-C-T. GRCh37 (hg19) VCF-style: chr11-57379355-C-T.
Other names: c.1195C>T, p.Pro399Ser (NM_001032295.2); short protein forms P399S.
Identifiers: ClinVar variation 3255493 (VCV003255493.4), dbSNP rs2135324767.

ClinVar aggregate classification (germline): Pathogenic. Review status: criteria provided, multiple submitters, no conflicts (2 of 4 stars). 2 submissions from 2 submitters: Pathogenic (2). Last evaluated 2024-07-21.

Conditions:
Angioedema. Identifiers: MedGen C0002994, MeSH D000799, MONDO:0010481, HP:0100665.

Submissions (2):

DNA-diagnostics Laboratory, Research Centre For Medical Genetics
Classification: Pathogenic for Angioedema. Last evaluated: 2024-07-21. Review status: criteria provided, single submitter. Criteria: ACMG Guidelines, 2015. Collection method: research. Allele origin: germline. Inheritance: Autosomal dominant inheritance. Affected: yes. Observed: 1 heterozygote.
Comment: According to published information of Andrejević et al., 2015 and Ponard et all, 2020, the c.1195C>T variant in SERPING1 meets ACMG/ClinGen SVI guidance criteria to be classified as pathogenic: PP3_Str, PP4_Str, PS4_Mod, PM2_Sup, PP2

Labcorp Genetics (formerly Invitae), Labcorp
Classification: Pathogenic. Last evaluated: 2024-04-16. Review status: criteria provided, single submitter. Criteria: Invitae Variant Classification Sherloc (09022015). Collection method: clinical testing. Allele origin: germline.
Comment: This sequence change replaces proline, which is neutral and non-polar, with serine, which is neutral and polar, at codon 399 of the SERPING1 protein (p.Pro399Ser). This variant is not present in population databases (gnomAD no frequency). This missense change has been observed in individuals with autosomal dominant hereditary angioedema (PMID: 9069585, 26535898; Invitae). This variant is also known as P377S. Advanced modeling of protein sequence and biophysical properties (such as structural, functional, and spatial information, amino acid conservation, physicochemical variation, residue mobility, and thermodynamic stability) performed at Invitae indicates that this missense variant is expected to disrupt SERPING1 protein function with a positive predictive value of 80%. This variant disrupts the p.Pro399 amino acid residue in SERPING1. Other variant(s) that disrupt this residue have been determined to be pathogenic (PMID: 15971231, 18758157, 21864911). This suggests that this residue is clinically significant, and that variants that disrupt this residue are likely to be disease-causing. For these reasons, this variant has been classified as Pathogenic.

Literature cited by the submitters: DOI 10.1371/journal.pone.0142174 (cited by DNA-diagnostics Laboratory, Research Centre For Medical Genetics); DOI 10.1002/humu.23917 (cited by DNA-diagnostics Laboratory, Research Centre For Medical Genetics); PubMed 9069585 (cited by Labcorp Genetics (formerly Invitae), Labcorp); PubMed 26535898 (cited by Labcorp Genetics (formerly Invitae), Labcorp); PubMed 15971231 (cited by Labcorp Genetics (formerly Invitae), Labcorp); PubMed 18758157 (cited by Labcorp Genetics (formerly Invitae), Labcorp); PubMed 21864911 (cited by Labcorp Genetics (formerly Invitae), Labcorp).